The following is an entry in ClinVar:

NM_005908.4(MANBA):c.1651T>C (p.Phe551Leu)

Gene: MANBA (mannosidase beta; minus strand). Cytogenetic location: 4q24.
Variant type: single nucleotide variant.
Coding change: c.1651T>C on transcript NM_005908.4 (MANE Select); coding-DNA position 1651, T replaced by C.
Protein change: p.Phe551Leu; replaces phenylalanine 551 with leucine.
Molecular consequence: missense variant.
Genome position (GRCh38, 1-based): chr4:102,657,735, A>G on the plus strand (T>C on the coding strand, the complement: MANBA is on the minus strand). VCF-style: chr4-102657735-A-G. GRCh37 (hg19) VCF-style: chr4-103578892-A-G.
Other names: short protein forms F551L.
Identifiers: ClinVar variation 3621879 (VCV003621879.1).

ClinVar aggregate classification (germline): Uncertain significance (1 of 4 stars; one submission).

Conditions:
Beta-D-mannosidosis (MANSB). Also called: Beta-Mannosidosis; MANNOSIDOSIS, BETA A, LYSOSOMAL; BETA-MANNOSIDASE DEFICIENCY; LYSOSOMAL BETA-MANNOSIDASE DEFICIENCY. Identifiers: Orphanet 118, MedGen C4048196, MONDO:0009562, OMIM 248510.

gnomAD v4.1: 1 of 1,613,932 alleles (0.000062%); highest among the groups gnomAD compares: Non-Finnish European, 0.000085%; no homozygotes.

Submission:

Labcorp Genetics (formerly Invitae), Labcorp
Classification: Uncertain significance for Beta-D-mannosidosis. Last evaluated: 2024-11-23. Review status: criteria provided, single submitter. Criteria: Invitae Variant Classification Sherloc (09022015). Collection method: clinical testing. Allele origin: germline.
Comment: This sequence change replaces phenylalanine, which is neutral and non-polar, with leucine, which is neutral and non-polar, at codon 551 of the MANBA protein (p.Phe551Leu). This variant is present in population databases (rs376678463, gnomAD 0.007%). This variant has not been reported in the literature in individuals affected with MANBA-related conditions. Invitae Evidence Modeling of protein sequence and biophysical properties (such as structural, functional, and spatial information, amino acid conservation, physicochemical variation, residue mobility, and thermodynamic stability) indicates that this missense variant is not expected to disrupt MANBA protein function with a negative predictive value of 80%. In summary, the available evidence is currently insufficient to determine the role of this variant in disease. Therefore, it has been classified as a Variant of Uncertain Significance.